The following is an entry in ClinVar:

NM_001267550.2(TTN):c.104381C>G (p.Ser34794Ter)

Genes: TTN (titin; minus strand), TTN-AS1 (TTN antisense RNA 1; plus strand). Cytogenetic location: 2q31.2.
Variant type: single nucleotide variant.
Coding change: c.104381C>G on transcript NM_001267550.2 (MANE Select); coding-DNA position 104381, C replaced by G.
Protein change: p.Ser34794Ter; replaces serine 34794 with a stop codon.
Molecular consequence: nonsense.
Genome position (GRCh38, 1-based): chr2:178,532,234, G>C on the plus strand (C>G on the coding strand, the complement: TTN is on the minus strand). VCF-style: chr2-178532234-G-C. GRCh37 (hg19) VCF-style: chr2-179396961-G-C.
Other names: c.99458C>G, p.Ser33153Ter (NM_001256850.1); c.77186C>G, p.Ser25729Ter (NM_003319.4); c.96677C>G, p.Ser32226Ter (NM_133378.4); c.77561C>G, p.Ser25854Ter (NM_133432.3); c.77762C>G, p.Ser25921Ter (NM_133437.4); short protein forms S25729*, S25854*, S25921*, S32226*, S33153*, S34794*.
Identifiers: ClinVar variation 3756015 (VCV003756015.2).

ClinVar aggregate classification (germline): Likely pathogenic (1 of 4 stars; one submission).

Conditions:
Dilated cardiomyopathy 1G (CMD1G). Identifiers: Orphanet 154, MedGen C1858763, MONDO:0011400, OMIM 604145.
Autosomal recessive limb-girdle muscular dystrophy type 2J (LGMDR10). Also called: Limb-girdle muscular dystrophy, type 2J; MUSCULAR DYSTROPHY, LIMB-GIRDLE, AUTOSOMAL RECESSIVE 10. Identifiers: Orphanet 140922, MedGen C1837342, MONDO:0012127, OMIM 608807.

Submission:

Labcorp Genetics (formerly Invitae), Labcorp
Classification: Likely pathogenic for Dilated cardiomyopathy 1G; Autosomal recessive limb-girdle muscular dystrophy type 2J. Last evaluated: 2024-04-25. Review status: criteria provided, single submitter. Criteria: Invitae Variant Classification Sherloc (09022015). Collection method: clinical testing. Allele origin: germline.
Comment: This sequence change creates a premature translational stop signal (p.Ser34794*) in the TTN gene. While this is not anticipated to result in nonsense mediated decay, it is expected to create a truncated TTN protein. This variant is not present in population databases (gnomAD no frequency). This variant has not been reported in the literature in individuals affected with TTN-related conditions. This variant is located in the M band of TTN (PMID: 25589632). Truncating variants in this region have been previously reported in individuals affected with autosomal recessive myopathy and muscular dystrophy (PMID: 18948003, 23975875, 24395473). Truncating variants in this region have also been identified in individuals affected with autosomal dominant dilated cardiomyopathy and/or cardio-related conditions (PMID: 27869827, 32964742, Invitae internal data). In summary, the currently available evidence indicates that the variant is pathogenic, but additional data are needed to prove that conclusively. Therefore, this variant has been classified as Likely Pathogenic.

Literature cited by the submitters: PubMed 25589632; PubMed 18948003; PubMed 23975875; PubMed 24395473; PubMed 27869827; PubMed 32964742.